The following is an entry in ClinVar:

NM_000143.4(FH):c.378+3A>C

Gene: FH (fumarate hydratase; minus strand). Cytogenetic location: 1q43.
Variant type: single nucleotide variant.
Coding change: c.378+3A>C on transcript NM_000143.4 (MANE Select); 3 bases into the intron after coding-DNA position 378, A replaced by C.
Molecular consequence: intron variant.
Genome position (GRCh38, 1-based): chr1:241,513,600, T>G on the plus strand (A>C on the coding strand, the complement: FH is on the minus strand). VCF-style: chr1-241513600-T-G. GRCh37 (hg19) VCF-style: chr1-241676900-T-G.
Identifiers: ClinVar variation 824197 (VCV000824197.5), dbSNP rs774403932, ClinGen allele CA1478709.

ClinVar aggregate classification (germline): Uncertain significance (1 of 4 stars; one submission).

Conditions:
Hereditary cancer-predisposing syndrome. Also called: Neoplastic Syndromes, Hereditary; Tumor predisposition; Hereditary neoplastic syndrome; Hereditary Cancer Syndrome. Identifiers: Orphanet 140162, MedGen C0027672, MeSH D009386, MONDO:0015356.

Allele frequency attached by ClinVar (database versions not stated): gnomAD exomes below 0.00001 and 0.00001; ExAC 0.00002.

Submission:

Ambry Genetics
Classification: Uncertain significance for Hereditary cancer-predisposing syndrome. Last evaluated: 2025-03-20. Review status: criteria provided, single submitter. Criteria: Ambry Variant Classification Scheme 2023. Collection method: clinical testing. Allele origin: germline.
Comment: The c.378+3A>C intronic variant results from an A to C substitution 3 nucleotides after coding exon 3 in the FH gene. This nucleotide position is well conserved in available vertebrate species. In silico splice site analysis predicts that this alteration may weaken the native splice donor site and will result in the creation or strengthening of a novel splice donor site. RNA studies have demonstrated that this alteration results in a splice defect; the clinical impact of this abnormal splicing is unknown at this time (Ambry internal data). Based on the available evidence, the clinical significance of this variant remains unclear.